The following is an entry in ClinVar:

ClinVar aggregate classification (germline): Uncertain significance (1 of 4 stars; one submission).

Allele frequency attached by ClinVar (database versions not stated): TOPMed below 0.00001; gnomAD 0.00001; gnomAD exomes 0.00001.
gnomAD v4.1: 21 of 1,613,936 alleles (0.0013%); highest among the groups gnomAD compares: Non-Finnish European, 0.0016%; no homozygotes.

Submission:

Labcorp Genetics (formerly Invitae), Labcorp
Classification: Uncertain significance. Last evaluated: 2021-10-16. Review status: criteria provided, single submitter. Criteria: Invitae Variant Classification Sherloc (09022015). Collection method: clinical testing. Allele origin: germline.
Comment: This sequence change replaces lysine with threonine at codon 248 of the HTRA1 protein (p.Lys248Thr). The lysine residue is moderately conserved and there is a moderate physicochemical difference between lysine and threonine. This variant is not present in population databases (ExAC no frequency). This variant has not been reported in the literature in individuals affected with HTRA1-related conditions. Algorithms developed to predict the effect of missense changes on protein structure and function are either unavailable or do not agree on the potential impact of this missense change (SIFT: "Tolerated"; PolyPhen-2: "Probably Damaging"; Align-GVGD: "Class C0"). In summary, the available evidence is currently insufficient to determine the role of this variant in disease. Therefore, it has been classified as a Variant of Uncertain Significance.

NM_002775.5(HTRA1):c.743A>C (p.Lys248Thr)

Gene: HTRA1 (HtrA serine peptidase 1; plus strand). Cytogenetic location: 10q26.13.
Variant type: single nucleotide variant.
Coding change: c.743A>C on transcript NM_002775.5 (MANE Select); coding-DNA position 743, A replaced by C.
Protein change: p.Lys248Thr; replaces lysine 248 with threonine.
Molecular consequence: missense variant.
Genome position (GRCh38, 1-based): chr10:122,489,592, A>C. VCF-style: chr10-122489592-A-C. GRCh37 (hg19) VCF-style: chr10-124249108-A-C.
Other names: short protein forms K248T.
Identifiers: ClinVar variation 1420438 (VCV001420438.6), dbSNP rs970437537, ClinGen allele CA214401061.